The following is an entry in ClinVar:

NM_000059.4(BRCA2):c.1880C>T (p.Ala627Val)

Gene: BRCA2 (BRCA2 DNA repair associated; plus strand). Cytogenetic location: 13q13.1.
Variant type: single nucleotide variant.
Coding change: c.1880C>T on transcript NM_000059.4 (MANE Select); coding-DNA position 1880, C replaced by T.
Protein change: p.Ala627Val; replaces alanine 627 with valine.
Molecular consequence: missense variant.
Genome position (GRCh38, 1-based): chr13:32,333,358, C>T. VCF-style: chr13-32333358-C-T. GRCh37 (hg19) VCF-style: chr13-32907495-C-T.
Other names: short protein forms A627V.
Identifiers: ClinVar variation 141847 (VCV000141847.20), dbSNP rs587782055, ClinGen allele CA013703.
Genomic context (GRCh38, chr13:32,333,358, plus strand): 5'-AAGACCAAAAATCAGAACTAATTAACTGTTCAGCCCAGTTTGAAGCAAATGCTTTTGAAG[C>T]ACCACTTACATTTGCAAATGCTGATTCAGGTACCTCTGTCTTTTTTTTTTTGTAAATAGT-3'
Protein context (NP_000050.3, residues 617-637): SAQFEANAFE[Ala627Val]PLTFANADSG

ClinVar aggregate classification (germline): Conflicting classifications of pathogenicity. Review status: criteria provided, conflicting classifications (1 of 4 stars). 3 submissions from 3 submitters: Uncertain significance (2); Likely benign (1). Last evaluated 2025-11-18.

Conditions:
Hereditary cancer-predisposing syndrome. Also called: Neoplastic Syndromes, Hereditary; Tumor predisposition; Hereditary Cancer Syndrome; Hereditary neoplastic syndrome. Identifiers: Orphanet 140162, MedGen C0027672, MeSH D009386, MONDO:0015356.
Hereditary breast ovarian cancer syndrome. Also called: Breast and ovarian cancer; Hereditary breast and ovarian cancer; Hereditary breast and/or ovarian cancer syndrome; BRCA1- and BRCA2-Associated Hereditary Breast and Ovarian Cancer; Hereditary breast and ovarian cancer syndrome; Hereditary breast and ovarian cancer syndrome (HBOC). Identifiers: Orphanet 145, MedGen C0677776, MeSH D061325, MONDO:0003582. Disease mechanism: loss of function.

Submissions (3):

Labcorp Genetics (formerly Invitae), Labcorp
Classification: Uncertain significance for Hereditary breast ovarian cancer syndrome. Last evaluated: 2025-11-18. Review status: criteria provided, single submitter. Criteria: Invitae Variant Classification Sherloc (09022015). Collection method: clinical testing. Allele origin: germline.
Comment: This sequence change replaces alanine, which is neutral and non-polar, with valine, which is neutral and non-polar, at codon 627 of the BRCA2 protein (p.Ala627Val). This variant is not present in population databases (gnomAD no frequency). This variant has not been reported in the literature in individuals affected with BRCA2-related conditions. ClinVar contains an entry for this variant (Variation ID: 141847). Invitae Evidence Modeling of protein sequence and biophysical properties (such as structural, functional, and spatial information, amino acid conservation, physicochemical variation, residue mobility, and thermodynamic stability) indicates that this missense variant is not expected to disrupt BRCA2 protein function with a negative predictive value of 95%. In summary, the available evidence is currently insufficient to determine the role of this variant in disease. Therefore, it has been classified as a Variant of Uncertain Significance.

Ambry Genetics
Classification: Uncertain significance for Hereditary cancer-predisposing syndrome. Last evaluated: 2024-09-24. Review status: criteria provided, single submitter. Criteria: Ambry Variant Classification Scheme 2023. Collection method: clinical testing. Allele origin: germline.
Comment: The p.A627V variant (also known as c.1880C>T), located in coding exon 9 of the BRCA2 gene, results from a C to T substitution at nucleotide position 1880. The alanine at codon 627 is replaced by valine, an amino acid with similar properties. This amino acid position is not well conserved in available vertebrate species, and valine is the reference amino acid in other vertebrate species. In addition, this alteration is predicted to be tolerated by in silico analysis. Since supporting evidence is limited at this time, the clinical significance of this alteration remains unclear.

University of Washington Department of Laboratory Medicine, University of Washington
Classification: Likely benign for Hereditary cancer-predisposing syndrome. Last evaluated: 2023-03-23. Review status: criteria provided, single submitter. Criteria: Dines et al. (Genet Med. 2020). Collection method: curation. Allele origin: germline.
Comment: Missense variant in a coldspot region where missense variants are very unlikely to be pathogenic (PMID:31911673).

BRCA2 exon 10 coldspot. Reclassification based on statistical prior probability.